The following is an entry in ClinVar:

NM_000038.6(APC):c.3256C>A (p.His1086Asn)

Gene: APC (APC regulator of WNT signaling pathway; plus strand). Cytogenetic location: 5q22.2.
Variant type: single nucleotide variant.
Coding change: c.3256C>A on transcript NM_000038.6 (MANE Select); coding-DNA position 3256, C replaced by A.
Protein change: p.His1086Asn; replaces histidine 1086 with asparagine.
Molecular consequence: missense variant.
Genome position (GRCh38, 1-based): chr5:112,838,850, C>A. VCF-style: chr5-112838850-C-A. GRCh37 (hg19) VCF-style: chr5-112174547-C-A.
Other names: c.3256C>A, p.His1086Asn (NM_001127510.3, NM_001354895.2); c.3202C>A, p.His1068Asn (NM_001127511.3); c.3310C>A, p.His1104Asn (NM_001354896.2); c.3286C>A, p.His1096Asn (NM_001354897.2); c.3181C>A, p.His1061Asn (NM_001354898.2); c.3172C>A, p.His1058Asn (NM_001354899.2); c.3133C>A, p.His1045Asn (NM_001354900.2); c.3079C>A, p.His1027Asn (NM_001354901.2); and 5 more; short protein forms H1027N, H1045N, H1058N, H1061N, H1068N, H1086N, H1096N, H1104N.
Identifiers: ClinVar variation 1317110 (VCV001317110.2), dbSNP rs2149888077, ClinGen allele CA16028476.

ClinVar aggregate classification (germline): Uncertain significance (1 of 4 stars; one submission).

Submission:

GeneDx
Classification: Uncertain significance. Last evaluated: 2019-12-23. Review status: criteria provided, single submitter. Criteria: GeneDx Variant Classification Process June 2021. Collection method: clinical testing. Allele origin: germline. Affected: yes.
Comment: Has not been previously published as pathogenic or benign to our knowledge; Not observed in large population cohorts (Lek 2016); In silico analysis, which includes protein predictors and evolutionary conservation, supports that this variant does not alter protein structure/function